The following is an entry in ClinVar:

ClinVar aggregate classification (germline): Uncertain significance (1 of 4 stars; one submission).

Conditions:
Gastrointestinal stromal tumor. Also called: Gastrointestinal stroma tumor; Gastrointestinal stromal tumor, somatic. Identifiers: Orphanet 44890, MedGen C0238198, MeSH D046152, MONDO:0011719, OMIM 606764, HP:0100723.

Submission:

Labcorp Genetics (formerly Invitae), Labcorp
Classification: Uncertain significance for Gastrointestinal stromal tumor. Last evaluated: 2024-01-25. Review status: criteria provided, single submitter. Criteria: Invitae Variant Classification Sherloc (09022015). Collection method: clinical testing. Allele origin: germline.
Comment: This sequence change replaces aspartic acid, which is acidic and polar, with histidine, which is basic and polar, at codon 1075 of the PDGFRA protein (p.Asp1075His). Information on the frequency of this variant in the gnomAD database is not available, as this variant may be reported differently in the database. This variant has not been reported in the literature in individuals affected with PDGFRA-related conditions. ClinVar contains an entry for this variant (Variation ID: 1490338). Experimental studies and prediction algorithms are not available or were not evaluated, and the functional significance of this variant is currently unknown. In summary, the available evidence is currently insufficient to determine the role of this variant in disease. Therefore, it has been classified as a Variant of Uncertain Significance.

NM_006206.6(PDGFRA):c.3222_3223delinsCC (p.Asp1075His)

Gene: PDGFRA (platelet derived growth factor receptor alpha; plus strand). Cytogenetic location: 4q12.
Variant type: Indel.
Coding change: c.3222_3223delinsCC on transcript NM_006206.6 (MANE Select); coding-DNA positions 3222 to 3223, TG replaced by CC.
Protein change: p.Asp1075His; replaces aspartic acid 1075 with histidine.
Molecular consequence: missense variant.
Genome position (GRCh38, 1-based): chr4:54,295,224-54,295,225, TG replaced by CC. VCF-style: chr4-54295224-TG-CC. GRCh37 (hg19) VCF-style: chr4-55161391-TG-CC.
Other names: c.3297_3298delinsCC, p.Asp1100His (NM_001347828.2); c.3222_3223delinsCC, p.Asp1075His (NM_001347829.2); c.3261_3262delinsCC, p.Asp1088His (NM_001347830.2); short protein forms D1075H, D1088H, D1100H.
Identifiers: ClinVar variation 1490338 (VCV001490338.8), dbSNP rs2110358916, ClinGen allele CA2573137815.